The following is an entry in ClinVar:

NM_000238.4(KCNH2):c.1397A>T (p.Asp466Val)

Gene: KCNH2 (potassium voltage-gated channel subfamily H member 2; minus strand). Cytogenetic location: 7q36.1.
Variant type: single nucleotide variant.
Coding change: c.1397A>T on transcript NM_000238.4 (MANE Select); coding-DNA position 1397, A replaced by T.
Protein change: p.Asp466Val; replaces aspartic acid 466 with valine.
Molecular consequence: missense variant.
Genome position (GRCh38, 1-based): chr7:150,952,585, T>A on the plus strand (A>T on the coding strand, the complement: KCNH2 is on the minus strand). VCF-style: chr7-150952585-T-A. GRCh37 (hg19) VCF-style: chr7-150649673-T-A.
Other names: c.377A>T, p.Asp126Val (NM_001204798.2, NM_172057.3); c.1109A>T, p.Asp370Val (NM_001406753.1, NM_001406756.1); c.1220A>T, p.Asp407Val (NM_001406755.1); c.1097A>T, p.Asp366Val (NM_001406757.1); c.1397A>T, p.Asp466Val (NM_172056.3); short protein forms D466V, D126V, D370V, D366V, D407V.
Identifiers: ClinVar variation 646851 (VCV000646851.9), dbSNP rs1584856497, ClinGen allele CA369859838.

ClinVar aggregate classification (germline): Uncertain significance (1 of 4 stars; one submission).

Conditions:
Long QT syndrome (LQTS). Identifiers: MedGen C0023976, MeSH D008133, MONDO:0002442. Disease mechanism: loss of function. Inheritance: Various modes of inheritance.

Submission:

Labcorp Genetics (formerly Invitae), Labcorp
Classification: Uncertain significance for Long QT syndrome. Last evaluated: 2018-12-07. Review status: criteria provided, single submitter. Criteria: Invitae Variant Classification Sherloc (09022015). Collection method: clinical testing. Allele origin: germline.
Comment: This sequence change replaces aspartic acid with valine at codon 466 of the KCNH2 protein (p.Asp466Val). The aspartic acid residue is highly conserved and there is a large physicochemical difference between aspartic acid and valine. This variant is not present in population databases (ExAC no frequency). This variant has been reported to affect KCNH2 protein function (PMID: 12771194). In summary, the available evidence is currently insufficient to determine the role of this variant in disease. Therefore, it has been classified as a Variant of Uncertain Significance.

Literature cited by the submitters: PubMed 12771194.